The following is an entry in ClinVar:

NM_000037.4(ANK1):c.2637+1G>T

Gene: ANK1 (ankyrin 1; minus strand). Cytogenetic location: 8p11.21.
Variant type: single nucleotide variant.
Coding change: c.2637+1G>T on transcript NM_000037.4 (MANE Select); the canonical splice donor site of the intron after coding-DNA position 2637, G replaced by T.
Molecular consequence: splice donor variant.
Genome position (GRCh38, 1-based): chr8:41,698,042, C>A on the plus strand (G>T on the coding strand, the complement: ANK1 is on the minus strand). VCF-style: chr8-41698042-C-A. GRCh37 (hg19) VCF-style: chr8-41555560-C-A.
Other names: p.?; c.2760+1G>T (NM_001142446.2); c.2637+1G>T (NM_020477.3, NM_020475.3, NM_020476.3).
Identifiers: ClinVar variation 3381039 (VCV003381039.1).

ClinVar aggregate classification (germline): Likely pathogenic (1 of 4 stars; one submission).

Submission:

Mayo Clinic Laboratories, Mayo Clinic
Classification: Likely pathogenic. Last evaluated: 2024-07-01. Review status: criteria provided, single submitter. Criteria: ACMG Guidelines, 2015. Collection method: clinical testing. Allele origin: germline. Observed: 1 variant allele.
Comment: PM2_moderate, PVS1